The following is an entry in ClinVar:

ClinVar aggregate classification (germline): Likely benign (1 of 4 stars; one submission).

Allele frequency attached by ClinVar (database versions not stated): ExAC 0.00007; gnomAD exomes 0.00008 and 0.00021; TOPMed 0.00008; gnomAD 0.00009.
gnomAD v4.1: 316 of 1,614,114 alleles (0.02%); highest among the groups gnomAD compares: Non-Finnish European, 0.026%; no homozygotes.

Submission:

GeneDx
Classification: Likely benign. Last evaluated: 2018-06-06. Review status: criteria provided, single submitter. Criteria: GeneDx Variant Classification (06012015). Collection method: clinical testing. Allele origin: germline. Affected: yes.
Comment: This variant is considered likely benign or benign based on one or more of the following criteria: it is a conservative change, it occurs at a poorly conserved position in the protein, it is predicted to be benign by multiple in silico algorithms, and/or has population frequency not consistent with disease.

NM_018429.3(BDP1):c.5664A>G (p.Glu1888=)

Gene: BDP1 (BDP1 general transcription factor IIIB subunit; plus strand). Cytogenetic location: 5q13.2.
Variant type: single nucleotide variant.
Coding change: c.5664A>G on transcript NM_018429.3 (MANE Select); coding-DNA position 5664, A replaced by G.
Protein change: p.Glu1888=; no amino-acid change (glutamic acid 1888 retained).
Molecular consequence: synonymous variant.
Genome position (GRCh38, 1-based): chr5:71,524,215, A>G. VCF-style: chr5-71524215-A-G. GRCh37 (hg19) VCF-style: chr5-70820042-A-G.
Identifiers: ClinVar variation 669023 (VCV000669023.1), dbSNP rs779446420, ClinGen allele CA3296998.